The following is an entry in ClinVar:

NM_003413.4(ZIC3):c.76G>C (p.Glu26Gln)

Gene: ZIC3 (Zic family member 3; plus strand). Cytogenetic location: Xq26.3.
Variant type: single nucleotide variant.
Coding change: c.76G>C on transcript NM_003413.4 (MANE Select); coding-DNA position 76, G replaced by C.
Protein change: p.Glu26Gln; replaces glutamic acid 26 with glutamine.
Molecular consequence: missense variant.
Genome position (GRCh38, 1-based): chrX:137,566,767, G>C. VCF-style: chrX-137566767-G-C. GRCh37 (hg19) VCF-style: chrX-136648926-G-C.
Other names: c.76G>C, p.Glu26Gln (NM_001330661.1); short protein forms E26Q.
Identifiers: ClinVar variation 3242066 (VCV003242066.1), dbSNP rs1165286755.

ClinVar aggregate classification (germline): Uncertain significance (1 of 4 stars; one submission).

Conditions:
VACTERL association, X-linked, with or without hydrocephalus (VACTERLX). Also called: VACTERL Association with Hydrocephalus, X-linked; VACTERL-H, X-LINKED; X-linked VACTERL-H syndrome; VACTERL ASSOCIATION, X-LINKED. Identifiers: Orphanet 3412, MedGen C2931228, MONDO:0010752, OMIM 314390.

Allele frequency attached by ClinVar (database versions not stated): gnomAD exomes 0.00001.
gnomAD v4.1: 4 of 1,189,420 alleles (0.00034%); highest among the groups gnomAD compares: South Asian, 0.0018%; no homozygotes.

Submission:

Neuberg Centre For Genomic Medicine, NCGM
Classification: Uncertain significance for VACTERL association, X-linked, with or without hydrocephalus. Review status: criteria provided, single submitter. Criteria: ACMG Guidelines, 2015. Collection method: clinical testing. Allele origin: germline. Inheritance: X-linked recessive inheritance. Affected: yes.
Comment: The missense variant c.76G>C (p.Glu26Gln) in the ZIC3 gene has not been reported previously as a pathogenic variant nor as a benign variant, to our knowledge. This variant is reported with the allele frequency (0.0007%) in the gnomAD Exomes. The amino acid Glutamic acid at position 26 is changed to a Glutamine changing protein sequence and it might alter its composition and physico- chemical properties. The variant is predicted as damaging by SIFT. The amino acid change p.Glu26Gln in ZIC3 is predicted as conserved by GERP++ and PhyloP across 100 vertebrates. For these reasons, this variant has been classified as Uncertain Significance.